The following is an entry in ClinVar:

NM_020066.5(FMN2):c.2657T>G (p.Met886Arg)

Gene: FMN2 (formin 2; plus strand). Cytogenetic location: 1q43.
Variant type: single nucleotide variant.
Coding change: c.2657T>G on transcript NM_020066.5 (MANE Select); coding-DNA position 2657, T replaced by G.
Protein change: p.Met886Arg; replaces methionine 886 with arginine.
Molecular consequence: missense variant. On other transcripts: intron variant (1).
Genome position (GRCh38, 1-based): chr1:240,207,469, T>G. VCF-style: chr1-240207469-T-G. GRCh37 (hg19) VCF-style: chr1-240370769-T-G.
Other names: NC_000001.10:g.240370769T>G; c.2669T>G, p.Met890Arg (NM_001305424.2); c.1986+19207T>G (NM_001348094.2); c.2657T>G (NM_020066.4); short protein forms M890R, M886R.
Identifiers: ClinVar variation 445849 (VCV000445849.35), dbSNP rs146874723, ClinGen allele CA1476682.
Genomic context (GRCh38, chr1:240,207,469, plus strand): 5'-CCTCCAGCTCCATGCCTGGCCTGGGCATGGTGCCTCCCCCACCTCCCCCTCTCCCTGGCA[T>G]GACAGTGCCTACTCTGCCCAGTACAGCCATTCCCCAACCTCCTCCTCTGCAGGGTACAGA-3'
Protein context (NP_064450.3, residues 876-896): VPPPPPPLPG[Met886Arg]TVPTLPSTAI

ClinVar aggregate classification (germline): Benign/Likely benign. Review status: criteria provided, multiple submitters, no conflicts (2 of 4 stars). 3 submissions from 3 submitters: Benign (1); Likely benign (2). Last evaluated 2026-09-01.

Conditions:
FMN2-related disorder. Also called: FMN2-related condition.

Allele frequency attached by ClinVar (database versions not stated): 1000 Genomes Project 30x 0.00234; 1000 Genomes Project 0.00280; TOPMed 0.00352; gnomAD 0.00543 and 0.00562; ESP Exome Variant Server 0.00546; gnomAD exomes 0.00670.
gnomAD v4.1: 10,593 of 1,611,902 alleles (0.66%); highest among the groups gnomAD compares: Non-Finnish European, 0.7%; 49 homozygotes.

Submissions (6):

CeGaT Center for Human Genetics Tuebingen
Classification: Likely benign. Last evaluated: 2026-09-01. Review status: criteria provided, single submitter. Criteria: CeGaT Center For Human Genetics Tuebingen Variant Classification Criteria Version 2. Collection method: clinical testing. Allele origin: germline. Affected: yes. Observed: 43 variant alleles.
Comment: FMN2: BP4, BS2

PreventionGenetics, part of Exact Sciences
Classification: Benign for FMN2-related condition. Last evaluated: 2020-04-01. Review status: criteria provided, single submitter. Criteria: ACMG Guidelines, 2015. Collection method: clinical testing. Allele origin: germline.
Comment: This variant is classified as benign based on ACMG/AMP sequence variant interpretation guidelines (Richards et al. 2015 PMID: 25741868, with internal and published modifications).

Center for Pediatric Genomic Medicine, Children's Mercy Hospital and Clinics
Classification: Likely benign. Last evaluated: 2017-02-17. Review status: criteria provided, single submitter. Criteria: ACMG Guidelines, 2015. Collection method: clinical testing. Allele origin: germline.

Dr. Peter K. Rogan Lab, Western University
No classification provided (evidence only). Condition: Familial cancer of breast. Review status: no classification provided. Collection method: in vitro. Allele origin: not applicable. Functional consequence: retained intron. Not counted in ClinVar's aggregate classification.

Dr. Peter K. Rogan Lab, Western University
No classification provided (evidence only). Condition: Familial cancer of breast. Review status: no classification provided. Collection method: in vitro. Allele origin: not applicable. Functional consequence: retained intron. Not counted in ClinVar's aggregate classification.

Dr. Peter K. Rogan Lab, Western University
No classification provided (evidence only). Condition: Colon adenocarcinoma. Review status: no classification provided. Collection method: in vitro. Allele origin: not applicable. Functional consequence: retained intron. Not counted in ClinVar's aggregate classification.